The following is an entry in ClinVar:

NM_021098.3(CACNA1H):c.1864G>C (p.Gly622Arg)

Gene: CACNA1H (calcium voltage-gated channel subunit alpha1 H; plus strand). Cytogenetic location: 16p13.3.
Variant type: single nucleotide variant.
Coding change: c.1864G>C on transcript NM_021098.3 (MANE Select); coding-DNA position 1864, G replaced by C.
Protein change: p.Gly622Arg; replaces glycine 622 with arginine.
Molecular consequence: missense variant.
Genome position (GRCh38, 1-based): chr16:1,202,314, G>C. VCF-style: chr16-1202314-G-C. GRCh37 (hg19) VCF-style: chr16-1252314-G-C.
Other names: c.1864G>C, p.Gly622Arg (NM_001005407.2); short protein forms G622R.
Identifiers: ClinVar variation 3757545 (VCV003757545.2).
Genomic context (GRCh38, chr16:1,202,314, plus strand): 5'-CTCAGACTGGCCACAGGGCTGGGCACCATGAACTACCCCACGATCCTGCCCTCAGGGGTG[G>C]GCAGCGGCAAAGGCAGCACCAGCCCCGGACCCAAGGGGAAGTGGGCCGGTGGACCGCCAG-3'
Protein context (NP_066921.2, residues 612-632): NYPTILPSGV[Gly622Arg]SGKGSTSPGP

ClinVar aggregate classification (germline): Uncertain significance (1 of 4 stars; one submission).

Conditions:
Idiopathic generalized epilepsy. Also called: EIG; Generalised epilepsy. Identifiers: MedGen C0270850, MONDO:0005579, OMIM 600669.
Hyperaldosteronism, familial, type IV (HALD4). Also called: FH IV; ALDOSTERONISM, PRIMARY, AND HYPERTENSION. Identifiers: Orphanet 642671, MedGen C4310756, MONDO:0014875, OMIM 617027.

Submission:

Labcorp Genetics (formerly Invitae), Labcorp
Classification: Uncertain significance for Idiopathic generalized epilepsy; Hyperaldosteronism, familial, type IV. Last evaluated: 2024-08-06. Review status: criteria provided, single submitter. Criteria: Invitae Variant Classification Sherloc (09022015). Collection method: clinical testing. Allele origin: germline.
Comment: This sequence change replaces glycine, which is neutral and non-polar, with arginine, which is basic and polar, at codon 622 of the CACNA1H protein (p.Gly622Arg). This variant is not present in population databases (gnomAD no frequency). This variant has not been reported in the literature in individuals affected with CACNA1H-related conditions. Advanced modeling of protein sequence and biophysical properties (such as structural, functional, and spatial information, amino acid conservation, physicochemical variation, residue mobility, and thermodynamic stability) performed at Invitae indicates that this missense variant is not expected to disrupt CACNA1H protein function with a negative predictive value of 80%. In summary, the available evidence is currently insufficient to determine the role of this variant in disease. Therefore, it has been classified as a Variant of Uncertain Significance.